The following is an entry in ClinVar:

ClinVar aggregate classification (germline): Uncertain significance. Review status: criteria provided, multiple submitters, no conflicts (2 of 4 stars). 2 submissions from 2 submitters: Uncertain significance (2). Last evaluated 2026-02-12.

Conditions:
JAG1-related disorder. Also called: JAG1-related disorders; JAG1-related condition.
Alagille syndrome due to a JAG1 point mutation. Also called: JAG1-Related Alagille Syndrome; HEPATIC DUCTULAR HYPOPLASIA, SYNDROMATIC; Alagille Syndrome 1. Identifiers: Orphanet 261619, Orphanet 52, MedGen C1956125, MONDO:0016862, OMIM 118450.

Allele frequency attached by ClinVar (database versions not stated): gnomAD exomes below 0.00001; TOPMed below 0.00001; gnomAD 0.00001.
gnomAD v4.1: 5 of 1,613,696 alleles (0.00031%); highest among the groups gnomAD compares: Non-Finnish European, 0.00042%; no homozygotes.

Submissions (2):

PreventionGenetics, part of Exact Sciences
Classification: Uncertain significance for JAG1-related condition. Last evaluated: 2026-02-12. Review status: criteria provided, single submitter. Criteria: ACMG Guidelines, 2015. Collection method: clinical testing. Allele origin: germline.
Comment: The JAG1 c.422C>A variant is predicted to result in the amino acid substitution p.Ser141Tyr. To our knowledge, this variant has not been reported in the literature in individuals with JAG1-related disease. This variant has not been reported in a large population database (gnomAD), indicating this variant is rare. Statistical evidence in gnomAD suggests the JAG1 gene is intolerant of missense variation. At this time, the clinical significance of this variant is uncertain due to the absence of conclusive functional and genetic evidence.

Labcorp Genetics (formerly Invitae), Labcorp
Classification: Uncertain significance for Alagille syndrome due to a JAG1 point mutation. Last evaluated: 2022-11-15. Review status: criteria provided, single submitter. Criteria: Invitae Variant Classification Sherloc (09022015). Collection method: clinical testing. Allele origin: germline.
Comment: In summary, the available evidence is currently insufficient to determine the role of this variant in disease. Therefore, it has been classified as a Variant of Uncertain Significance. Advanced modeling of protein sequence and biophysical properties (such as structural, functional, and spatial information, amino acid conservation, physicochemical variation, residue mobility, and thermodynamic stability) performed at Invitae indicates that this missense variant is not expected to disrupt JAG1 protein function. This variant has not been reported in the literature in individuals affected with JAG1-related conditions. This variant is not present in population databases (gnomAD no frequency). This sequence change replaces serine, which is neutral and polar, with tyrosine, which is neutral and polar, at codon 141 of the JAG1 protein (p.Ser141Tyr).

NM_000214.3(JAG1):c.422C>A (p.Ser141Tyr)

Gene: JAG1 (jagged canonical Notch ligand 1; minus strand). Cytogenetic location: 20p12.2.
Variant type: single nucleotide variant.
Coding change: c.422C>A on transcript NM_000214.3 (MANE Select); coding-DNA position 422, C replaced by A.
Protein change: p.Ser141Tyr; replaces serine 141 with tyrosine.
Molecular consequence: missense variant.
Genome position (GRCh38, 1-based): chr20:10,663,980, G>T on the plus strand (C>A on the coding strand, the complement: JAG1 is on the minus strand). VCF-style: chr20-10663980-G-T. GRCh37 (hg19) VCF-style: chr20-10644628-G-T.
Other names: c.422C>A (NM_000214.2); short protein forms S141Y.
Identifiers: ClinVar variation 2040230 (VCV002040230.5), dbSNP rs1204218385, ClinGen allele CA408242109.